The following is an entry in ClinVar:

NM_080669.6(SLC46A1):c.541A>T (p.Met181Leu)

Gene: SLC46A1 (solute carrier family 46 member 1; minus strand). Cytogenetic location: 17q11.2.
Variant type: single nucleotide variant.
Coding change: c.541A>T on transcript NM_080669.6 (MANE Select); coding-DNA position 541, A replaced by T.
Protein change: p.Met181Leu; replaces methionine 181 with leucine.
Molecular consequence: missense variant.
Genome position (GRCh38, 1-based): chr17:28,405,156, T>A on the plus strand (A>T on the coding strand, the complement: SLC46A1 is on the minus strand). VCF-style: chr17-28405156-T-A. GRCh37 (hg19) VCF-style: chr17-26732174-T-A.
Other names: c.541A>T, p.Met181Leu (NM_001242366.3); short protein forms M181L.
Identifiers: ClinVar variation 2111161 (VCV002111161.4), dbSNP rs2508292923, ClinGen allele CA398350904.
Genomic context (GRCh38, chr17:28,405,156, plus strand): 5'-GGCCCCCGAGGAGGCTTGCCAGCATCCCAGCCACCCCGATGCTGGCTTCCAGCAGGGCCA[T>A]CCGGAAGGTGCGGCTGCGACTGGAGCTGACATCTGCCACGGACGCAAAGCTAGCAGCCAG-3'
Protein context (NP_542400.2, residues 171-191): VSSSRSRTFR[Met181Leu]ALLEASIGVA

ClinVar aggregate classification (germline): Uncertain significance (1 of 4 stars; one submission).

Submission:

Labcorp Genetics (formerly Invitae), Labcorp
Classification: Uncertain significance. Last evaluated: 2022-03-13. Review status: criteria provided, single submitter. Criteria: Invitae Variant Classification Sherloc (09022015). Collection method: clinical testing. Allele origin: germline.
Comment: This variant has not been reported in the literature in individuals affected with SLC46A1-related conditions. In summary, the available evidence is currently insufficient to determine the role of this variant in disease. Therefore, it has been classified as a Variant of Uncertain Significance. Experimental studies and prediction algorithms are not available or were not evaluated, and the functional significance of this variant is currently unknown. This variant is not present in population databases (gnomAD no frequency). This sequence change replaces methionine, which is neutral and non-polar, with leucine, which is neutral and non-polar, at codon 181 of the SLC46A1 protein (p.Met181Leu).